The following is an entry in ClinVar:

ClinVar aggregate classification (germline): Uncertain significance (1 of 4 stars; one submission).

Conditions:
Sialuria. Also called: SIALURIA, FRENCH TYPE; Sialic Acid Storage Disease. Identifiers: Orphanet 3166, MedGen C0342853, MONDO:0010028, OMIM 269921.
GNE myopathy (NM). Also called: INCLUSION BODY MYOPATHY, HEREDITARY, AUTOSOMAL RECESSIVE; INCLUSION BODY MYOPATHY 2, AUTOSOMAL RECESSIVE; IBM 2; Inclusion body myopathy autosomal recessive; Inclusion body myopathy quadriceps sparing; NONAKA DISTAL MYOPATHY. Identifiers: Orphanet 602, MedGen C1853926, MONDO:0011603, OMIM 605820.

Allele frequency attached by ClinVar (database versions not stated): gnomAD exomes below 0.00001.
gnomAD v4.1: 1 of 1,613,154 alleles (0.000062%); highest among the groups gnomAD compares: Admixed American, 0.0017%; no homozygotes.

Submission:

Labcorp Genetics (formerly Invitae), Labcorp
Classification: Uncertain significance for Sialuria; GNE myopathy. Last evaluated: 2024-11-04. Review status: criteria provided, single submitter. Criteria: Invitae Variant Classification Sherloc (09022015). Collection method: clinical testing. Allele origin: germline.
Comment: This sequence change replaces alanine, which is neutral and non-polar, with threonine, which is neutral and polar, at codon 488 of the GNE protein (p.Ala488Thr). This variant is not present in population databases (gnomAD no frequency). This variant has not been reported in the literature in individuals affected with GNE-related conditions. ClinVar contains an entry for this variant (Variation ID: 1402071). Invitae Evidence Modeling of protein sequence and biophysical properties (such as structural, functional, and spatial information, amino acid conservation, physicochemical variation, residue mobility, and thermodynamic stability) has been performed for this missense variant. However, the output from this modeling did not meet the statistical confidence thresholds required to predict the impact of this variant on GNE protein function. In summary, the available evidence is currently insufficient to determine the role of this variant in disease. Therefore, it has been classified as a Variant of Uncertain Significance.

NM_005476.7(GNE):c.1369G>A (p.Ala457Thr)

Gene: GNE (glucosamine (UDP-N-acetyl)-2-epimerase/N-acetylmannosamine kinase; minus strand). Cytogenetic location: 9p13.3.
Variant type: single nucleotide variant.
Coding change: c.1369G>A on transcript NM_005476.7 (MANE Select); coding-DNA position 1369, G replaced by A.
Protein change: p.Ala457Thr; replaces alanine 457 with threonine.
Molecular consequence: missense variant.
Genome position (GRCh38, 1-based): chr9:36,223,415, C>T on the plus strand (G>A on the coding strand, the complement: GNE is on the minus strand). VCF-style: chr9-36223415-C-T. GRCh37 (hg19) VCF-style: chr9-36223412-C-T.
Other names: c.1462G>A, p.Ala488Thr (NM_001128227.3); c.1369G>A, p.Ala457Thr (NM_001190383.3); c.1039G>A, p.Ala347Thr (NM_001190384.3); c.1192G>A, p.Ala398Thr (NM_001190388.2, NM_001374798.1); c.1216G>A, p.Ala406Thr (NM_001374797.1); short protein forms A347T, A398T, A406T, A457T, A488T.
Identifiers: ClinVar variation 1402071 (VCV001402071.8), dbSNP rs2133024204, ClinGen allele CA373427278.